The following is an entry in ClinVar:

ClinVar aggregate classification (germline): Uncertain significance (1 of 4 stars; one submission).

Conditions:
Mucopolysaccharidosis type 7 (MPS7). Also called: SLY SYNDROME; BETA-GLUCURONIDASE DEFICIENCY; GUSB DEFICIENCY; MPS VII. Identifiers: Orphanet 584, MedGen C0085132, MONDO:0009662, OMIM 253220.

Allele frequency attached by ClinVar (database versions not stated): gnomAD exomes below 0.00001; TOPMed below 0.00001.
gnomAD v4.1: 4 of 1,612,644 alleles (0.00025%); highest among the groups gnomAD compares: Non-Finnish European, 0.00034%; no homozygotes.

Submission:

MVZ Medizinische Genetik Mainz
Classification: Uncertain significance for Mucopolysaccharidosis type 7. Last evaluated: 2023-01-17. Review status: criteria provided, single submitter. Criteria: UK Practice Guidelines For Variant Classification V4 01 2020. Collection method: clinical testing. Allele origin: germline. Inheritance: Autosomal recessive inheritance. Affected: yes. Observed: 2 variant alleles.
Comment: ACMG Criteria: PM2_SUP, PM3_SUP, PP3, PP4; Compound Heterozygote

NM_000181.4(GUSB):c.980G>A (p.Arg327His)

Gene: GUSB (glucuronidase beta; minus strand). Cytogenetic location: 7q11.21.
Variant type: single nucleotide variant.
Coding change: c.980G>A on transcript NM_000181.4 (MANE Select); coding-DNA position 980, G replaced by A.
Protein change: p.Arg327His; replaces arginine 327 with histidine.
Molecular consequence: missense variant. On other transcripts: non-coding transcript variant (1).
Genome position (GRCh38, 1-based): chr7:65,975,004, C>T on the plus strand (G>A on the coding strand, the complement: GUSB is on the minus strand). VCF-style: chr7-65975004-C-T. GRCh37 (hg19) VCF-style: chr7-65439991-C-T.
Other names: c.542G>A, p.Arg181His (NM_001284290.2); c.410G>A, p.Arg137His (NM_001293104.2); c.323G>A, p.Arg108His (NM_001293105.2); short protein forms R108H, R137H, R181H, R327H.
Identifiers: ClinVar variation 3235241 (VCV003235241.1), dbSNP rs1583924426.